The following is an entry in ClinVar:

ClinVar aggregate classification (germline): Pathogenic (1 of 4 stars; one submission).

Conditions:
ERCC2-related disorder. Also called: ERCC2-related conditions; ERCC2-related condition; ERCC2-related disorders. Identifiers: MedGen CN239291.

Submission:

Myriad Genetics, Inc.
Classification: Pathogenic for ERCC2-related disorder. Last evaluated: 2024-11-22. Review status: criteria provided, single submitter. Criteria: Myriad Autosomal Dominant, Autosomal Recessive and X-Linked Classification Criteria (2023). Collection method: clinical testing. Allele origin: unknown.
Comment: NM_000400.3(ERCC2):c.1315dupG(D439Gfs*11) is expected to be pathogenic in the context of ERCC2-related disorders. This variant is predicted to lead to an abnormal or absent protein product due to the creation of a premature termination codon in ERCC2, a gene where loss-of-function variants are known to be pathogenic. Please note: this variant was assessed in the context of healthy population screening.

NM_000400.4(ERCC2):c.1315dup (p.Asp439fs)

Gene: ERCC2 (ERCC excision repair 2, TFIIH core complex helicase subunit; minus strand). Cytogenetic location: 19q13.32.
Variant type: Duplication.
Coding change: c.1315dup on transcript NM_000400.4 (MANE Select); coding-DNA position 1315, one base duplicated (G; older notation c.1315dupG).
Protein change: p.Asp439fs; shifts the reading frame from aspartic acid 439.
Molecular consequence: frameshift variant. On other transcripts: non-coding transcript variant (3).
Genome position (GRCh38, 1-based): chr19:45,357,536, C duplicated on the plus strand (G on the coding strand, the reverse complement: ERCC2 is on the minus strand); the first of 2 consecutive C bases (chr19:45,357,536-45,357,537); duplicating either gives the same sequence. VCF-style (leftmost placement, unchanged base first): chr19-45357535-T-TC. GRCh37 (hg19) VCF-style: chr19-45860793-T-TC.
Other names: c.1243dup, p.Asp415fs (NM_001440355.1); c.1237dup, p.Asp413fs (NM_001440356.1); c.1192dup, p.Asp398fs (NM_001440357.1); short protein forms D398fs, D413fs, D415fs, D439fs.
Identifiers: ClinVar variation 5013790 (VCV005013790.1).
Genomic context (GRCh38, chr19:45,357,535, plus strand): 5'-CCAGATGTGATGATGACAGACTGGAAACGCTCAAATACGGGTTTGATGGCCAGCGAGGCG[T>TC]CCATGCAGCTGGAGAGAGATGAGGGCAGTGAGGGCCCGGGGGGCTGGGCCCCCGACCCAC-3'